The following is an entry in ClinVar:

NM_201384.3(PLEC):c.1046C>T (p.Ala349Val)

Gene: PLEC (plectin; minus strand). Cytogenetic location: 8q24.3.
Variant type: single nucleotide variant.
Coding change: c.1046C>T on transcript NM_201384.3 (MANE Select); coding-DNA position 1046, C replaced by T.
Protein change: p.Ala349Val; replaces alanine 349 with valine.
Molecular consequence: missense variant.
Genome position (GRCh38, 1-based): chr8:143,934,441, G>A on the plus strand (C>T on the coding strand, the complement: PLEC is on the minus strand). VCF-style: chr8-143934441-G-A. GRCh37 (hg19) VCF-style: chr8-145008609-G-A.
Other names: c.1127C>T (NM_000445.3); c.1127C>T, p.Ala376Val (NM_000445.5); c.1004C>T, p.Ala335Val (NM_201378.4); c.980C>T, p.Ala327Val (NM_201379.3); c.1457C>T, p.Ala486Val (NM_201380.4); c.950C>T, p.Ala317Val (NM_201381.3); c.1046C>T, p.Ala349Val (NM_201382.4); c.1058C>T, p.Ala353Val (NM_201383.3); short protein forms A486V, A353V, A317V, A327V, A335V, A376V, A349V.
Identifiers: ClinVar variation 1486042 (VCV001486042.12), dbSNP rs1016236688, ClinGen allele CA187623220.
Genomic context (GRCh38, chr8:143,934,441, plus strand): 5'-TCCTTCTCCACATCCAGCGGGTGGTAGCCAGGGGGCACCTTGAGCTGGCCTGCTTGCACC[G>A]CTCCCTGTAGACAGGGGCCACACTCAGGCCCTATAGGCAGGGGGCAGGGGGTGGGGCGCT-3'
Protein context (NP_958786.1, residues 339-359): SKGIYQSLEG[Ala349Val]VQAGQLKVPP

ClinVar aggregate classification (germline): Uncertain significance. Review status: criteria provided, multiple submitters, no conflicts (2 of 4 stars). 4 submissions from 4 submitters: Uncertain significance (4). Last evaluated 2026-04-28.

Conditions:
Epidermolysis bullosa simplex 5B, with muscular dystrophy (EBS5B). Also called: EPIDERMOLYSIS BULLOSA SIMPLEX AND LIMB-GIRDLE MUSCULAR DYSTROPHY; Epidermolysis bullosa simplex with muscular dystrophy. Identifiers: Orphanet 257, MedGen C2931072, MONDO:0009181, OMIM 226670.
Epidermolysis bullosa simplex with nail dystrophy (EBS5D). Identifiers: MedGen C4225309, MONDO:0014661, OMIM 616487.
Epidermolysis bullosa simplex, Ogna type (EBS5A). Also called: Pidermolysis bullosa simplex 5A, Ogna type; EPIDERMOLYSIS BULLOSA SIMPLEX 5A, OGNA TYPE. Identifiers: Orphanet 79401, MedGen C0432317, MONDO:0007555, OMIM 131950.
Epidermolysis bullosa simplex 5C, with pyloric atresia (EBS5C). Also called: PLEC-Related Epidermolysis Bullosa with Pyloric Atresia; Epidermolysis bullosa simplex with pyloric atresia; PLEC1-Related Epidermolysis Bullosa with Pyloric Atresia. Identifiers: Orphanet 158684, MedGen C2677349, MONDO:0012807, OMIM 612138.
Autosomal recessive limb-girdle muscular dystrophy type 2Q (LGMDR17). Also called: MUSCULAR DYSTROPHY, LIMB-GIRDLE, AUTOSOMAL RECESSIVE 17. Identifiers: Orphanet 254361, MedGen C3150989, MONDO:0013390, OMIM 613723.
Inborn genetic diseases. Identifiers: MedGen C0950123, MeSH D030342.

Allele frequency attached by ClinVar (database versions not stated): gnomAD 0.00002; gnomAD exomes 0.00002; TOPMed 0.00003.
gnomAD v4.1: 59 of 1,610,974 alleles (0.0037%); highest among the groups gnomAD compares: African/African-American, 0.011%; no homozygotes.

Submissions (4):

Women's Health and Genetics/Laboratory Corporation of America, LabCorp
Classification: Uncertain significance. Last evaluated: 2026-04-28. Review status: criteria provided, single submitter. Criteria: LabCorp Variant Classification Summary - May 2015. Collection method: clinical testing. Allele origin: germline.
Comment: Variant summary: PLEC c.1127C>T (p.Ala376Val) results in a non-conservative amino acid change in the encoded protein sequence. Algorithms developed to predict the effect of missense changes on protein structure and function all suggest that this variant is likely to be disruptive. The variant allele was found at a frequency of 2e-05 in 244610 control chromosomes. The available data on variant occurrences in the general population are insufficient to allow any conclusion about variant significance. To our knowledge, no occurrence of c.1127C>T in individuals affected with PLEC-related conditions and no experimental evidence demonstrating its impact on protein function have been reported. ClinVar contains an entry for this variant (Variation ID: 1486042). Based on the evidence outlined above, the variant was classified as uncertain significance.

Labcorp Genetics (formerly Invitae), Labcorp
Classification: Uncertain significance for Autosomal recessive limb-girdle muscular dystrophy type 2Q; Epidermolysis bullosa simplex, Ogna type; Epidermolysis bullosa simplex with nail dystrophy; Epidermolysis bullosa simplex 5C, with pyloric atresia; Epidermolysis bullosa simplex 5B, with muscular dystrophy. Last evaluated: 2024-06-09. Review status: criteria provided, single submitter. Criteria: Invitae Variant Classification Sherloc (09022015). Collection method: clinical testing. Allele origin: germline.
Comment: This sequence change replaces alanine, which is neutral and non-polar, with valine, which is neutral and non-polar, at codon 376 of the PLEC protein (p.Ala376Val). This variant is present in population databases (no rsID available, gnomAD 0.007%). This variant has not been reported in the literature in individuals affected with PLEC-related conditions. ClinVar contains an entry for this variant (Variation ID: 1486042). Experimental studies and prediction algorithms are not available or were not evaluated, and the functional significance of this variant is currently unknown. In summary, the available evidence is currently insufficient to determine the role of this variant in disease. Therefore, it has been classified as a Variant of Uncertain Significance.

Ambry Genetics
Classification: Uncertain significance for Inborn genetic diseases. Last evaluated: 2023-02-13. Review status: criteria provided, single submitter. Criteria: Ambry Variant Classification Scheme 2023. Collection method: clinical testing. Allele origin: germline.

Revvity Omics, Revvity
Classification: Uncertain significance. Last evaluated: 2019-06-12. Review status: criteria provided, single submitter. Criteria: ACMG Guidelines, 2015. Collection method: clinical testing. Allele origin: germline.